The following is an entry in ClinVar:

ClinVar aggregate classification (germline): Uncertain significance. Review status: criteria provided, multiple submitters, no conflicts (2 of 4 stars). 4 submissions from 4 submitters: Uncertain significance (4). Last evaluated 2024-01-15.

Conditions:
Hereditary cancer-predisposing syndrome. Also called: Hereditary neoplastic syndrome; Neoplastic Syndromes, Hereditary; Tumor predisposition; Hereditary Cancer Syndrome. Identifiers: Orphanet 140162, MedGen C0027672, MeSH D009386, MONDO:0015356.
Microcephaly, normal intelligence and immunodeficiency (NBS). Also called: IMMUNODEFICIENCY, MICROCEPHALY, AND CHROMOSOMAL INSTABILITY; SEEMANOVA SYNDROME II; Immunodeficiency, microcephaly with normal intelligence; Ataxia telangiectasia variant V1; Nijmegen breakage syndrome; Microcephaly with normal intelligence immunodeficiency and lymphoreticular malignancies. Identifiers: Orphanet 647, MedGen C0398791, MONDO:0009623, OMIM 251260.

Submissions (4):

Quest Diagnostics Nichols Institute San Juan Capistrano
Classification: Uncertain significance. Last evaluated: 2024-01-15. Review status: criteria provided, single submitter. Criteria: Quest Diagnostics criteria. Collection method: clinical testing. Allele origin: unknown.
Comment: The NBN c.215C>T (p.Ser72Phe) variant has been reported in the published literature in individuals with lung cancer (PMID: 35273153 (2022)) and in a reportedly healthy individual (PMID: 30287823 (2018)). This variant has not been reported in large, multi-ethnic general populations (Genome Aggregation Database). Analysis of this variant using bioinformatics tools for the prediction of the effect of amino acid changes on protein structure and function yielded predictions that this variant is damaging. Based on the available information, we are unable to determine the clinical significance of this variant.

Labcorp Genetics (formerly Invitae), Labcorp
Classification: Uncertain significance for Microcephaly, normal intelligence and immunodeficiency. Last evaluated: 2023-05-10. Review status: criteria provided, single submitter. Criteria: Invitae Variant Classification Sherloc (09022015). Collection method: clinical testing. Allele origin: germline.
Comment: In summary, the available evidence is currently insufficient to determine the role of this variant in disease. Therefore, it has been classified as a Variant of Uncertain Significance. An algorithm developed to predict the effect of missense changes on protein structure and function (PolyPhen-2) suggests that this variant is likely to be disruptive. ClinVar contains an entry for this variant (Variation ID: 411781). This variant has not been reported in the literature in individuals affected with NBN-related conditions. This variant is not present in population databases (gnomAD no frequency). This sequence change replaces serine, which is neutral and polar, with phenylalanine, which is neutral and non-polar, at codon 72 of the NBN protein (p.Ser72Phe).

Ambry Genetics
Classification: Uncertain significance for Hereditary cancer-predisposing syndrome. Last evaluated: 2022-04-28. Review status: criteria provided, single submitter. Criteria: Ambry Variant Classification Scheme 2023. Collection method: clinical testing. Allele origin: germline.
Comment: The p.S72F variant (also known as c.215C>T), located in coding exon 3 of the NBN gene, results from a C to T substitution at nucleotide position 215. The serine at codon 72 is replaced by phenylalanine, an amino acid with highly dissimilar properties. This alteration was not observed in unselected male breast cancer patients and was observed with an allele frequency of 0.0001 in 12,490 male controls of Japanese ancestry (Momozawa Y et al. Nat Commun, 2018 10;9:4083). This amino acid position is highly conserved in available vertebrate species. In addition, this alteration is predicted to be deleterious by in silico analysis. Since supporting evidence is limited at this time, the clinical significance of this alteration remains unclear.

Genome-Nilou Lab
Classification: Uncertain significance for Microcephaly, normal intelligence and immunodeficiency. Last evaluated: 2021-11-07. Review status: criteria provided, single submitter. Criteria: ACMG Guidelines, 2015. Collection method: clinical testing. Allele origin: germline. Affected: no.

Literature cited by the submitters: PubMed 30287823 (cited by Quest Diagnostics Nichols Institute San Juan Capistrano and Ambry Genetics); PubMed 35273153 (cited by Quest Diagnostics Nichols Institute San Juan Capistrano).

NM_002485.5(NBN):c.215C>T (p.Ser72Phe)

Gene: NBN (nibrin; minus strand). Cytogenetic location: 8q21.3.
Variant type: single nucleotide variant.
Coding change: c.215C>T on transcript NM_002485.5 (MANE Select); coding-DNA position 215, C replaced by T.
Protein change: p.Ser72Phe; replaces serine 72 with phenylalanine.
Molecular consequence: missense variant. On other transcripts: 5 prime UTR variant (1).
Genome position (GRCh38, 1-based): chr8:89,981,480, G>A on the plus strand (C>T on the coding strand, the complement: NBN is on the minus strand). VCF-style: chr8-89981480-G-A. GRCh37 (hg19) VCF-style: chr8-90993708-G-A.
Other names: c.-32C>T (NM_001024688.3); short protein forms S72F.
Identifiers: ClinVar variation 411781 (VCV000411781.22), dbSNP rs1060503484, ClinGen allele CA16612677.